The following is an entry in ClinVar:

ClinVar aggregate classification (germline): Uncertain significance (1 of 4 stars; one submission).

Conditions:
Renal cell carcinoma. Identifiers: Orphanet 217071, MedGen C0007134, MeSH D002292, MONDO:0005086, HP:0005584.

Submission:

Labcorp Genetics (formerly Invitae), Labcorp
Classification: Uncertain significance for Renal cell carcinoma. Last evaluated: 2024-09-03. Review status: criteria provided, single submitter. Criteria: Invitae Variant Classification Sherloc (09022015). Collection method: clinical testing. Allele origin: germline.
Comment: This sequence change creates a premature translational stop signal (p.Asn1257Lysfs*9) in the MET gene. It is expected to result in an absent or disrupted protein product. However, the current clinical and genetic evidence is not sufficient to establish whether loss-of-function variants in MET cause disease. This variant is not present in population databases (gnomAD no frequency). This variant has not been reported in the literature in individuals affected with MET-related conditions. In summary, the available evidence is currently insufficient to determine the role of this variant in disease. Therefore, it has been classified as a Variant of Uncertain Significance.

NM_000245.4(MET):c.3717del (p.Asn1239fs)

Gene: MET (MET proto-oncogene, receptor tyrosine kinase; plus strand). Cytogenetic location: 7q31.2.
Variant type: Deletion.
Coding change: c.3717del on transcript NM_000245.4 (MANE Select); coding-DNA position 3717, one base deleted (C; older notation c.3717delC).
Protein change: p.Asn1239fs; shifts the reading frame from asparagine 1239.
Molecular consequence: frameshift variant.
Genome position (GRCh38, 1-based): chr7:116,783,388, C deleted. VCF-style (leftmost placement, unchanged base first): chr7-116783387-AC-A. GRCh37 (hg19) VCF-style: chr7-116423441-AC-A.
Other names: c.3771del, p.Asn1257fs (NM_001127500.3); c.2427del, p.Asn809fs (NM_001324402.2); short protein forms N1257fs, N809fs, N1239fs.
Identifiers: ClinVar variation 3664312 (VCV003664312.2).
Genomic context (GRCh38, chr7:116,783,387, plus strand): 5'-AGGTTGCTGATTTTGGTCTTGCCAGAGACATGTATGATAAAGAATACTATAGTGTACACA[AC>A]AAAACAGGTGCAAAGCTGCCAGTGAAGTGGATGGCTTTGGAAAGTCTGCAAACTCAAAAG-3'